The following is an entry in ClinVar:

ClinVar aggregate classification (germline): Uncertain significance (1 of 4 stars; one submission).

Conditions:
Severe combined immunodeficiency due to IKK2 deficiency. Also called: Immunodeficiency 15; IMMUNODEFICIENCY 15B. Identifiers: Orphanet 397787, MedGen C4747743, MONDO:0014267, OMIM 615592.

Allele frequency attached by ClinVar (database versions not stated): TOPMed below 0.00001; gnomAD 0.00001.
gnomAD v4.1: 1 of 1,613,016 alleles (0.000062%); highest among the groups gnomAD compares: Non-Finnish European, 0.000085%; no homozygotes.

Submission:

Labcorp Genetics (formerly Invitae), Labcorp
Classification: Uncertain significance for Severe combined immunodeficiency due to IKK2 deficiency. Last evaluated: 2022-11-14. Review status: criteria provided, single submitter. Criteria: Invitae Variant Classification Sherloc (09022015). Collection method: clinical testing. Allele origin: germline.
Comment: This sequence change replaces glutamic acid, which is acidic and polar, with glutamine, which is neutral and polar, at codon 535 of the IKBKB protein (p.Glu535Gln). This variant is not present in population databases (gnomAD no frequency). This variant has not been reported in the literature in individuals affected with IKBKB-related conditions. ClinVar contains an entry for this variant (Variation ID: 1446942). Advanced modeling of protein sequence and biophysical properties (such as structural, functional, and spatial information, amino acid conservation, physicochemical variation, residue mobility, and thermodynamic stability) performed at Invitae indicates that this missense variant is not expected to disrupt IKBKB protein function. In summary, the available evidence is currently insufficient to determine the role of this variant in disease. Therefore, it has been classified as a Variant of Uncertain Significance.

NM_001556.3(IKBKB):c.1603G>C (p.Glu535Gln)

Gene: IKBKB (inhibitor of nuclear factor kappa B kinase subunit beta; plus strand). Cytogenetic location: 8p11.21.
Variant type: single nucleotide variant.
Coding change: c.1603G>C on transcript NM_001556.3 (MANE Select); coding-DNA position 1603, G replaced by C.
Protein change: p.Glu535Gln; replaces glutamic acid 535 with glutamine.
Molecular consequence: missense variant. On other transcripts: non-coding transcript variant (3).
Genome position (GRCh38, 1-based): chr8:42,320,759, G>C. VCF-style: chr8-42320759-G-C. GRCh37 (hg19) VCF-style: chr8-42178277-G-C.
Other names: c.1411G>C, p.Glu471Gln (NM_001190720.3); c.1426G>C, p.Glu476Gln (NM_001242778.2); short protein forms E476Q, E471Q, E535Q.
Identifiers: ClinVar variation 1446942 (VCV001446942.6), dbSNP rs1438637705, ClinGen allele CA371091031.